The following is an entry in ClinVar:

NM_001110556.2(FLNA):c.3705C>T (p.Tyr1235=)

Gene: FLNA (filamin A; minus strand). Cytogenetic location: Xq28.
Variant type: single nucleotide variant.
Coding change: c.3705C>T on transcript NM_001110556.2 (MANE Select); coding-DNA position 3705, C replaced by T.
Protein change: p.Tyr1235=; no amino-acid change (tyrosine 1235 retained).
Molecular consequence: synonymous variant.
Genome position (GRCh38, 1-based): chrX:154,360,090, G>A on the plus strand (C>T on the coding strand, the complement: FLNA is on the minus strand). VCF-style: chrX-154360090-G-A. GRCh37 (hg19) VCF-style: chrX-153588458-G-A.
Other names: p.Tyr1235=; c.3705C>T (NM_001110556.1); c.3705C>T, p.Tyr1235= (NM_001456.4).
Identifiers: ClinVar variation 1081802 (VCV001081802.25), dbSNP rs368741634, ClinGen allele CA10560670.

ClinVar aggregate classification (germline): Likely benign. Review status: criteria provided, multiple submitters, no conflicts (2 of 4 stars). 7 submissions from 7 submitters: Likely benign (6). 1 of the submissions does not count toward it. Last evaluated 2025-09-21.

Conditions:
Heterotopia, periventricular, X-linked dominant (PVNH1). Also called: X-linked periventricular heterotopia; PERIVENTRICULAR NODULAR HETEROTOPIA 4; HETEROTOPIA, PERIVENTRICULAR, 1; PERIVENTRICULAR NODULAR HETEROTOPIA 1. Identifiers: Orphanet 2149, Orphanet 82004, MedGen C1848213, MONDO:0010233, OMIM 300049.
Frontometaphyseal dysplasia (FMD1). Identifiers: Orphanet 1826, MedGen C0265293, MONDO:0015942.
Oto-palato-digital syndrome, type II (OPD2). Also called: Otopalatodigital Syndrome, Type II; Otopalatodigital Syndrome Type 2 (FLNA-OPD2); FACIOPALATOOSSEOUS SYNDROME; OPD II SYNDROME. Identifiers: Orphanet 669, Orphanet 90652, MedGen C1844696, MONDO:0010571, OMIM 304120.
Melnick-Needles syndrome (MNS). Also called: Melnick-Needles Syndrome (FLNA-MNS); MELNICK-NEEDLES OSTEODYSPLASTY; OSTEODYSPLASTY OF MELNICK AND NEEDLES. Identifiers: Orphanet 2484, MedGen C0025237, MONDO:0010650, OMIM 309350.
FLNA-related disorder.
Familial thoracic aortic aneurysm and aortic dissection (TAAD). Also called: Thoracic aortic aneurysms and dissections. Identifiers: Orphanet 91387, MedGen C4707243, MONDO:0019625.

Allele frequency attached by ClinVar (database versions not stated): ExAC 0.00002; gnomAD exomes 0.00002; gnomAD 0.00003; TOPMed 0.00005; ESP Exome Variant Server 0.00010; 1000 Genomes Project 30x 0.00021; 1000 Genomes Project 0.00026.
gnomAD v4.1: 25 of 1,210,046 alleles (0.0021%); highest among the groups gnomAD compares: African/African-American, 0.0035%; no homozygotes.

Submissions (7):

Labcorp Genetics (formerly Invitae), Labcorp
Classification: Likely benign for Oto-palato-digital syndrome, type II; Heterotopia, periventricular, X-linked dominant; Frontometaphyseal dysplasia; Melnick-Needles syndrome. Last evaluated: 2025-09-21. Review status: criteria provided, single submitter. Criteria: Invitae Variant Classification Sherloc (09022015). Collection method: clinical testing. Allele origin: germline.

Mayo Clinic Laboratories, Mayo Clinic
Classification: Likely benign. Last evaluated: 2025-09-05. Review status: criteria provided, single submitter. Criteria: ACMG Guidelines, 2015. Collection method: clinical testing. Allele origin: germline. Observed: 1 variant allele.
Comment: BS2, BP4, BP7

CeGaT Center for Human Genetics Tuebingen
Classification: Likely benign. Last evaluated: 2025-07-01. Review status: criteria provided, single submitter. Criteria: CeGaT Center For Human Genetics Tuebingen Variant Classification Criteria Version 2. Collection method: clinical testing. Allele origin: germline. Affected: yes. Observed: 1 variant allele.
Comment: FLNA: BP4, BP7, BS2

Women's Health and Genetics/Laboratory Corporation of America, LabCorp
Classification: Likely benign. Last evaluated: 2024-01-28. Review status: criteria provided, single submitter. Criteria: LabCorp Variant Classification Summary - May 2015. Collection method: clinical testing. Allele origin: germline.

Ambry Genetics
Classification: Likely benign for Familial thoracic aortic aneurysm and aortic dissection. Last evaluated: 2020-12-16. Review status: criteria provided, single submitter. Criteria: Ambry Variant Classification Scheme 2023. Collection method: clinical testing. Allele origin: germline.

GeneDx
Classification: Likely benign. Last evaluated: 2020-09-14. Review status: criteria provided, single submitter. Criteria: GeneDx Variant Classification Process June 2021. Collection method: clinical testing. Allele origin: germline. Affected: yes.

PreventionGenetics, part of Exact Sciences
Classification: Likely benign for FLNA-related condition. Last evaluated: 2021-09-30. Review status: no assertion criteria provided. Collection method: clinical testing. Allele origin: germline. Not counted in ClinVar's aggregate classification.
Comment: This variant is classified as likely benign based on ACMG/AMP sequence variant interpretation guidelines (Richards et al. 2015 PMID: 25741868, with internal and published modifications).